The following is an entry in ClinVar:

ClinVar aggregate classification (germline): Uncertain significance. Review status: criteria provided, multiple submitters, no conflicts (2 of 4 stars). 6 submissions from 6 submitters: Uncertain significance (6). Last evaluated 2026-06-16.

Conditions:
Aortic aneurysm, familial thoracic 4 (AAT4). Also called: AORTIC ANEURYSM/AORTIC DISSECTION AND PATENT DUCTUS ARTERIOSUS. Identifiers: MedGen C1851504, MONDO:0007568, OMIM 132900.
Familial thoracic aortic aneurysm and aortic dissection (TAAD). Also called: Thoracic aortic aneurysms and dissections. Identifiers: Orphanet 91387, MedGen C4707243, MONDO:0019625.

Allele frequency attached by ClinVar (database versions not stated): gnomAD 0.00002; ESP Exome Variant Server 0.00008.
gnomAD v4.1: 28 of 1,614,058 alleles (0.0017%); highest among the groups gnomAD compares: African/African-American, 0.0027%; no homozygotes.

Submissions (6):

Women's Health and Genetics/Laboratory Corporation of America, LabCorp
Classification: Uncertain significance. Last evaluated: 2026-06-16. Review status: criteria provided, single submitter. Criteria: LabCorp Variant Classification Summary - May 2015. Collection method: clinical testing. Allele origin: germline.
Comment: Variant summary: MYH11 c.1321C>T (p.Arg441Cys) results in a non-conservative amino acid change in the encoded protein sequence. Algorithms developed to predict the effect of missense changes on protein structure and function all suggest that this variant is likely to be disruptive. The variant allele was found at a frequency of 8e-06 in 251464 control chromosomes. The available data on variant occurrences in the general population are insufficient to allow any conclusion about variant significance. To our knowledge, no occurrence of c.1321C>T in individuals affected with MYH11-related conditions and no experimental evidence demonstrating its impact on protein function have been reported. ClinVar contains an entry for this variant (Variation ID: 845790). Based on the evidence outlined above, the variant was classified as uncertain significance.

Labcorp Genetics (formerly Invitae), Labcorp
Classification: Uncertain significance for Aortic aneurysm, familial thoracic 4. Last evaluated: 2025-03-31. Review status: criteria provided, single submitter. Criteria: Invitae Variant Classification Sherloc (09022015). Collection method: clinical testing. Allele origin: germline.
Comment: This sequence change replaces arginine, which is basic and polar, with cysteine, which is neutral and slightly polar, at codon 441 of the MYH11 protein (p.Arg441Cys). This variant is present in population databases (rs375276152, gnomAD 0.005%). This variant has not been reported in the literature in individuals affected with MYH11-related conditions. ClinVar contains an entry for this variant (Variation ID: 845790). Invitae Evidence Modeling of protein sequence and biophysical properties (such as structural, functional, and spatial information, amino acid conservation, physicochemical variation, residue mobility, and thermodynamic stability) indicates that this missense variant is not expected to disrupt MYH11 protein function with a negative predictive value of 80%. In summary, the available evidence is currently insufficient to determine the role of this variant in disease. Therefore, it has been classified as a Variant of Uncertain Significance.

Ambry Genetics
Classification: Uncertain significance for Familial thoracic aortic aneurysm and aortic dissection. Last evaluated: 2024-11-24. Review status: criteria provided, single submitter. Criteria: Ambry Variant Classification Scheme 2023. Collection method: clinical testing. Allele origin: germline.

Color Diagnostics, LLC DBA Color Health
Classification: Uncertain significance for Familial thoracic aortic aneurysm and aortic dissection. Last evaluated: 2024-03-06. Review status: criteria provided, single submitter. Criteria: ACMG Guidelines, 2015. Collection method: clinical testing. Allele origin: germline.
Comment: This missense variant replaces arginine with cysteine at codon 441 of the MYH11 protein. Computational prediction suggests that this variant may have deleterious impact on protein structure and function (internally defined REVEL score threshold >= 0.7, PMID: 27666373). To our knowledge, functional studies have not been reported for this variant. This variant has not been reported in individuals affected with MYH11-related disorders in the literature. This variant has been identified in 3/282866 chromosomes in the general population by the Genome Aggregation Database (gnomAD). The available evidence is insufficient to determine the role of this variant in disease conclusively. Therefore, this variant is classified as a Variant of Uncertain Significance.

All of Us Research Program, National Institutes of Health
Classification: Uncertain significance for Familial thoracic aortic aneurysm and aortic dissection. Last evaluated: 2023-10-02. Review status: criteria provided, single submitter. Criteria: ACMG Guidelines, 2015. Collection method: clinical testing. Allele origin: germline. Inheritance: Autosomal dominant inheritance. Observed: 2 variant alleles, 2 heterozygotes.
Comment: This missense variant replaces arginine with cysteine at codon 441 of the MYH11 protein. Computational prediction suggests that this variant may have deleterious impact on protein structure and function (internally defined REVEL score threshold >= 0.7, PMID: 27666373). To our knowledge, functional studies have not been reported for this variant. This variant has not been reported in individuals affected with cardiovascular disorders in the literature. This variant has been identified in 3/282866 chromosomes in the general population by the Genome Aggregation Database (gnomAD). The available evidence is insufficient to determine the role of this variant in disease conclusively. Therefore, this variant is classified as a Variant of Uncertain Significance.

This study involves interpretation of variants in research participants for the purpose of population health screening. Participant phenotype was not available at the time of variant classification. Additional details can be found in publication PMID: 35346344, PMCID: PMC8962531

GeneDx
Classification: Uncertain significance. Last evaluated: 2022-01-24. Review status: criteria provided, single submitter. Criteria: GeneDx Variant Classification Process June 2021. Collection method: clinical testing. Allele origin: germline. Affected: yes.
Comment: Has not been previously published as pathogenic or benign to our knowledge; Not observed at significant frequency in large population cohorts (gnomAD); In silico analysis supports that this missense variant has a deleterious effect on protein structure/function; Reported in ClinVar but additional evidence is not available (ClinVar Variant ID #845790)

NM_002474.3(MYH11):c.1300C>T (p.Arg434Cys)

Gene: MYH11 (myosin heavy chain 11; minus strand). Cytogenetic location: 16p13.11.
Variant type: single nucleotide variant.
Coding change: c.1300C>T on transcript NM_002474.3 (MANE Select); coding-DNA position 1300, C replaced by T.
Protein change: p.Arg434Cys; replaces arginine 434 with cysteine.
Molecular consequence: missense variant.
Genome position (GRCh38, 1-based): chr16:15,759,677, G>A on the plus strand (C>T on the coding strand, the complement: MYH11 is on the minus strand). VCF-style: chr16-15759677-G-A. GRCh37 (hg19) VCF-style: chr16-15853534-G-A.
Other names: c.1321C>T, p.Arg441Cys (NM_001040113.2, NM_001040114.2); c.1300C>T, p.Arg434Cys (NM_022844.3); short protein forms R434C, R441C.
Identifiers: ClinVar variation 845790 (VCV000845790.15), dbSNP rs375276152, ClinGen allele CA7922643.